The following is an entry in ClinVar:

ClinVar aggregate classification (germline): Uncertain significance (1 of 4 stars; one submission).

Conditions:
Peutz-Jeghers syndrome (PJS). Also called: Peutz-Jeghers polyposis; Periorificial lentiginosis syndrome; POLYPOSIS, HAMARTOMATOUS INTESTINAL; POLYPS-AND-SPOTS SYNDROME. Identifiers: Orphanet 2869, MedGen C0031269, MeSH D010580, MONDO:0008280, OMIM 175200.

Submission:

Labcorp Genetics (formerly Invitae), Labcorp
Classification: Uncertain significance for Peutz-Jeghers syndrome. Last evaluated: 2022-05-30. Review status: criteria provided, single submitter. Criteria: Invitae Variant Classification Sherloc (09022015). Collection method: clinical testing. Allele origin: germline.
Comment: In summary, the available evidence is currently insufficient to determine the role of this variant in disease. Therefore, it has been classified as a Variant of Uncertain Significance. Advanced modeling of protein sequence and biophysical properties (such as structural, functional, and spatial information, amino acid conservation, physicochemical variation, residue mobility, and thermodynamic stability) performed at Invitae indicates that this missense variant is expected to disrupt STK11 protein function. This variant has not been reported in the literature in individuals affected with STK11-related conditions. This variant is not present in population databases (gnomAD no frequency). This sequence change replaces cysteine, which is neutral and slightly polar, with glycine, which is neutral and non-polar, at codon 158 of the STK11 protein (p.Cys158Gly).

NM_000455.5(STK11):c.472T>G (p.Cys158Gly)

Gene: STK11 (serine/threonine kinase 11; plus strand). Cytogenetic location: 19p13.3.
Variant type: single nucleotide variant.
Coding change: c.472T>G on transcript NM_000455.5 (MANE Select); coding-DNA position 472, T replaced by G.
Protein change: p.Cys158Gly; replaces cysteine 158 with glycine.
Molecular consequence: missense variant.
Genome position (GRCh38, 1-based): chr19:1,220,380, T>G. VCF-style: chr19-1220380-T-G. GRCh37 (hg19) VCF-style: chr19-1220379-T-G.
Other names: c.472T>G, p.Cys158Gly (NM_001407255.1); short protein forms C158G.
Identifiers: ClinVar variation 2000891 (VCV002000891.4), dbSNP rs1431247846, ClinGen allele CA402948796.